The following is an entry in ClinVar:

ClinVar aggregate classification (germline): Uncertain significance. Review status: criteria provided, multiple submitters, no conflicts (2 of 4 stars). 4 submissions from 4 submitters: Uncertain significance (4). Last evaluated 2024-07-22.

Conditions:
Asphyxiating thoracic dystrophy 5 (SRTD5). Also called: SHORT-RIB THORACIC DYSPLASIA 5 WITH OR WITHOUT POLYDACTYLY; SHORT-RIB THORACIC DYSPLASIA 5 WITHOUT POLYDACTYLY. Identifiers: Orphanet 474, MedGen C3280598, MONDO:0013717, OMIM 614376.
Senior-Loken syndrome 8 (SLSN8). Identifiers: Orphanet 3156, MedGen C4225376, MONDO:0014579, OMIM 616307.
Nephronophthisis 13 (NPHP13). Identifiers: Orphanet 655, MedGen C3280612, MONDO:0013718, OMIM 614377.
Spermatogenic failure 72 (SPGF72). Identifiers: MedGen C5676980, MONDO:0030809, OMIM 619867.
Cranioectodermal dysplasia 4 (CED4). Identifiers: Orphanet 1515, MedGen C3280616, MONDO:0013719, OMIM 614378.
Inborn genetic diseases. Identifiers: MedGen C0950123, MeSH D030342.

Allele frequency attached by ClinVar (database versions not stated): gnomAD exomes 0.00002 and 0.00009; gnomAD 0.00003 and 0.00007; TOPMed 0.00003; ExAC 0.00014; 1000 Genomes Project 30x 0.00062; 1000 Genomes Project 0.00080.
gnomAD v4.1: 46 of 1,613,884 alleles (0.0029%); highest among the groups gnomAD compares: East Asian, 0.047%; no homozygotes.

Submissions (4):

Blueprint Genetics
Classification: Uncertain significance. Last evaluated: 2024-07-22. Review status: criteria provided, single submitter. Criteria: ACMG Guidelines, 2015. Collection method: clinical testing. Allele origin: germline.

Fulgent Genetics
Classification: Uncertain significance for Asphyxiating thoracic dystrophy 5; Nephronophthisis 13; Cranioectodermal dysplasia 4; Senior-Loken syndrome 8; Spermatogenic failure 72. Last evaluated: 2024-05-25. Review status: criteria provided, single submitter. Criteria: ACMG Guidelines, 2015. Collection method: clinical testing. Allele origin: germline.

Labcorp Genetics (formerly Invitae), Labcorp
Classification: Uncertain significance for Senior-Loken syndrome 8; Asphyxiating thoracic dystrophy 5. Last evaluated: 2024-01-17. Review status: criteria provided, single submitter. Criteria: Invitae Variant Classification Sherloc (09022015). Collection method: clinical testing. Allele origin: germline.
Comment: This sequence change replaces serine, which is neutral and polar, with phenylalanine, which is neutral and non-polar, at codon 1145 of the WDR19 protein (p.Ser1145Phe). This variant is present in population databases (rs199625785, gnomAD 0.1%). This variant has not been reported in the literature in individuals affected with WDR19-related conditions. ClinVar contains an entry for this variant (Variation ID: 1047670). Advanced modeling of protein sequence and biophysical properties (such as structural, functional, and spatial information, amino acid conservation, physicochemical variation, residue mobility, and thermodynamic stability) performed at Invitae indicates that this missense variant is not expected to disrupt WDR19 protein function with a negative predictive value of 80%. In summary, the available evidence is currently insufficient to determine the role of this variant in disease. Therefore, it has been classified as a Variant of Uncertain Significance.

Ambry Genetics
Classification: Uncertain significance for Inborn genetic diseases. Last evaluated: 2023-09-20. Review status: criteria provided, single submitter. Criteria: Ambry Variant Classification Scheme 2023. Collection method: clinical testing. Allele origin: germline.

NM_025132.4(WDR19):c.3434C>T (p.Ser1145Phe)

Gene: WDR19 (WD repeat domain 19; plus strand). Cytogenetic location: 4p14.
Variant type: single nucleotide variant.
Coding change: c.3434C>T on transcript NM_025132.4 (MANE Select); coding-DNA position 3434, C replaced by T.
Protein change: p.Ser1145Phe; replaces serine 1145 with phenylalanine.
Molecular consequence: missense variant.
Genome position (GRCh38, 1-based): chr4:39,270,051, C>T. VCF-style: chr4-39270051-C-T. GRCh37 (hg19) VCF-style: chr4-39271671-C-T.
Other names: c.2954C>T, p.Ser985Phe (NM_001317924.2); c.3434C>T (NM_025132.3); short protein forms S985F, S1145F.
Identifiers: ClinVar variation 1047670 (VCV001047670.10), dbSNP rs199625785, ClinGen allele CA2892371.